The following is an entry in ClinVar:

ClinVar aggregate classification (germline): Uncertain significance (0 of 4 stars; one submission).

Conditions:
CNKSR2-related disorder. Also called: CNKSR2-related condition.

Submission:

PreventionGenetics, part of Exact Sciences
Classification: Uncertain significance for CNKSR2-related condition. Last evaluated: 2024-01-09. Review status: no assertion criteria provided. Collection method: clinical testing. Allele origin: germline.
Comment: The CNKSR2 c.2683G>A variant is predicted to result in the amino acid substitution p.Gly895Arg. To our knowledge, this variant has not been reported in the literature or in a large population database, indicating this variant is rare. At this time, the clinical significance of this variant is uncertain due to the absence of conclusive functional and genetic evidence.

NM_014927.5(CNKSR2):c.2683G>A (p.Gly895Arg)

Gene: CNKSR2 (connector enhancer of kinase suppressor of Ras 2; plus strand). Cytogenetic location: Xp22.12.
Variant type: single nucleotide variant.
Coding change: c.2683G>A on transcript NM_014927.5 (MANE Select); coding-DNA position 2683, G replaced by A.
Protein change: p.Gly895Arg; replaces glycine 895 with arginine.
Molecular consequence: missense variant.
Genome position (GRCh38, 1-based): chrX:21,609,608, G>A. VCF-style: chrX-21609608-G-A. GRCh37 (hg19) VCF-style: chrX-21627726-G-A.
Other names: c.2593G>A, p.Gly865Arg (NM_001168647.3, NM_001330773.2); c.2683G>A, p.Gly895Arg (NM_001168648.3); c.2536G>A, p.Gly846Arg (NM_001168649.3, NM_001330770.2); c.2446G>A, p.Gly816Arg (NM_001330771.2, NM_001330772.2); short protein forms G816R, G846R, G865R, G895R.
Identifiers: ClinVar variation 3049439 (VCV003049439.2), dbSNP rs1230071869, ClinGen allele CA412560280.